The following is an entry in ClinVar:

NM_004612.4(TGFBR1):c.1386+6T>C

Gene: TGFBR1 (transforming growth factor beta receptor 1; plus strand). Cytogenetic location: 9q22.33.
Variant type: single nucleotide variant.
Coding change: c.1386+6T>C on transcript NM_004612.4 (MANE Select); 6 bases into the intron after coding-DNA position 1386, T replaced by C.
Molecular consequence: intron variant.
Genome position (GRCh38, 1-based): chr9:99,147,790, T>C. VCF-style: chr9-99147790-T-C. GRCh37 (hg19) VCF-style: chr9-101910072-T-C.
Other names: c.1398+6T>C (NM_001306210.2); c.1155+6T>C (NM_001130916.3).
Identifiers: ClinVar variation 1171849 (VCV001171849.5), dbSNP rs1375191528, ClinGen allele CA589362245.
Genomic context (GRCh38, chr9:99,147,790, plus strand): 5'-TGTTTGTGAACAGAAGTTAAGGCCAAATATCCCAAACAGATGGCAGAGCTGTGAAGTGAG[T>C]ATTTCTTTTTGATATTAGGCAATTTTCTAAACTGCTTCTGCTTAGTAAGCAAAAGTTTGC-3'

ClinVar aggregate classification (germline): Uncertain significance. Review status: criteria provided, multiple submitters, no conflicts (2 of 4 stars). 2 submissions from 2 submitters: Uncertain significance (2). Last evaluated 2025-09-15.

Conditions:
Familial thoracic aortic aneurysm and aortic dissection (TAAD). Also called: Thoracic aortic aneurysms and dissections. Identifiers: Orphanet 91387, MedGen C4707243, MONDO:0019625.

Allele frequency attached by ClinVar (database versions not stated): gnomAD exomes below 0.00001; gnomAD 0.00001; TOPMed 0.00001.
gnomAD v4.1: 4 of 1,613,532 alleles (0.00025%); highest among the groups gnomAD compares: Non-Finnish European, 0.00034%; no homozygotes.

Submissions (2):

Color Diagnostics, LLC DBA Color Health
Classification: Uncertain significance for Familial thoracic aortic aneurysm and aortic dissection. Last evaluated: 2025-09-15. Review status: criteria provided, single submitter. Criteria: ACMG Guidelines, 2015. Collection method: clinical testing. Allele origin: germline.
Comment: This variant causes a T to C nucleotide substitution at the +6 position of intron 8 of the TGFBR1 gene. To our knowledge, functional studies have not been reported for this variant. This variant has not been reported in individuals affected with TGFBR1-related disorders in the literature. This variant has been identified in 1/31402 chromosomes in the general population by the Genome Aggregation Database (gnomAD). The available evidence is insufficient to determine the role of this variant in disease conclusively. Therefore, this variant is classified as a Variant of Uncertain Significance.

Labcorp Genetics (formerly Invitae), Labcorp
Classification: Uncertain significance for Familial thoracic aortic aneurysm and aortic dissection. Last evaluated: 2024-03-31. Review status: criteria provided, single submitter. Criteria: Invitae Variant Classification Sherloc (09022015). Collection method: clinical testing. Allele origin: germline.
Comment: This sequence change falls in intron 8 of the TGFBR1 gene. It does not directly change the encoded amino acid sequence of the TGFBR1 protein. It affects a nucleotide within the consensus splice site. This variant is present in population databases (no rsID available, gnomAD 0.007%). This variant has not been reported in the literature in individuals affected with TGFBR1-related conditions. ClinVar contains an entry for this variant (Variation ID: 1171849). Variants that disrupt the consensus splice site are a relatively common cause of aberrant splicing (PMID: 17576681, 9536098). Algorithms developed to predict the effect of sequence changes on RNA splicing suggest that this variant may disrupt the consensus splice site. In summary, the available evidence is currently insufficient to determine the role of this variant in disease. Therefore, it has been classified as a Variant of Uncertain Significance.

Literature cited by the submitters: PubMed 17576681 (cited by Labcorp Genetics (formerly Invitae), Labcorp); PubMed 9536098 (cited by Labcorp Genetics (formerly Invitae), Labcorp).